The following is an entry in ClinVar:

NM_005477.3(HCN4):c.2426C>A (p.Pro809His)

Gene: HCN4 (hyperpolarization activated cyclic nucleotide gated potassium channel 4; minus strand). Cytogenetic location: 15q24.1.
Variant type: single nucleotide variant.
Coding change: c.2426C>A on transcript NM_005477.3 (MANE Select); coding-DNA position 2426, C replaced by A.
Protein change: p.Pro809His; replaces proline 809 with histidine.
Molecular consequence: missense variant.
Genome position (GRCh38, 1-based): chr15:73,323,667, G>T on the plus strand (C>A on the coding strand, the complement: HCN4 is on the minus strand). VCF-style: chr15-73323667-G-T. GRCh37 (hg19) VCF-style: chr15-73616008-G-T.
Other names: short protein forms P809H.
Identifiers: ClinVar variation 2415137 (VCV002415137.6), dbSNP rs2549069033, ClinGen allele CA393088915.
Genomic context (GRCh38, chr15:73,323,667, plus strand): 5'-AGCCGTTTCAGGTGCCTTGGCGTCTGCCCGGCACCGAGGTTGCCCAGCCCAGATCCTGGG[G>T]GAGGGCGGAAGATGGCAGCAGGCAGGCGAGGGTGGTGGGTGAGGGCTATGGCCACAGAAG-3'
Protein context (NP_005468.1, residues 799-819): PRLPAAIFRP[Pro809His]PGSGLGNLGA

ClinVar aggregate classification (germline): Uncertain significance (1 of 4 stars; one submission).

Conditions:
Brugada syndrome 8 (BRGDA8). Identifiers: Orphanet 130, MedGen C2751083, MONDO:0013148, OMIM 613123.

Allele frequency attached by ClinVar (database versions not stated): gnomAD exomes below 0.00001.

Submission:

Labcorp Genetics (formerly Invitae), Labcorp
Classification: Uncertain significance for Brugada syndrome 8. Last evaluated: 2024-05-29. Review status: criteria provided, single submitter. Criteria: Invitae Variant Classification Sherloc (09022015). Collection method: clinical testing. Allele origin: germline.
Comment: This sequence change replaces proline, which is neutral and non-polar, with histidine, which is basic and polar, at codon 809 of the HCN4 protein (p.Pro809His). This variant is not present in population databases (gnomAD no frequency). This variant has not been reported in the literature in individuals affected with HCN4-related conditions. ClinVar contains an entry for this variant (Variation ID: 2415137). Advanced modeling of protein sequence and biophysical properties (such as structural, functional, and spatial information, amino acid conservation, physicochemical variation, residue mobility, and thermodynamic stability) performed at Invitae indicates that this missense variant is not expected to disrupt HCN4 protein function with a negative predictive value of 80%. In summary, the available evidence is currently insufficient to determine the role of this variant in disease. Therefore, it has been classified as a Variant of Uncertain Significance.